The following is an entry in ClinVar:

NM_001080397.3(SLC45A1):c.526C>T (p.Arg176Trp)

Gene: SLC45A1 (solute carrier family 45 member 1; plus strand). Cytogenetic location: 1p36.23.
Variant type: single nucleotide variant.
Coding change: c.526C>T on transcript NM_001080397.3 (MANE Select); coding-DNA position 526, C replaced by T.
Protein change: p.Arg176Trp; replaces arginine 176 with tryptophan.
Molecular consequence: missense variant. On other transcripts: 5 prime UTR variant (2).
Genome position (GRCh38, 1-based): chr1:8,325,853, C>T. VCF-style: chr1-8325853-C-T. GRCh37 (hg19) VCF-style: chr1-8385913-C-T.
Other names: R176W; c.526C>T, p.Arg176Trp (NM_001379614.1); c.433C>T, p.Arg145Trp (NM_001379615.1, NM_001379616.1); c.-81C>T (NM_001379617.1, NM_001379618.1); short protein forms R145W.
Identifiers: ClinVar variation 428599 (VCV000428599.3), dbSNP rs781036625, ClinGen allele CA570122.
Genomic context (GRCh38, chr1:8,325,853, plus strand): 5'-GGTGACTTTGTTTCTCTGTGTCCAGGGGCACTGCTGGGCCTCTCGCTCTTGCTGAATGGC[C>T]GGGACATTGGCATCGCCCTGGCTGACGTGACCGGGAACCACAAGTGGGGCCTGCTGCTGA-3'
Protein context (NP_001073866.3, residues 166-186): LLGLSLLLNG[Arg176Trp]DIGIALADVT

ClinVar aggregate classification (germline): Conflicting classifications of pathogenicity. Review status: criteria provided, conflicting classifications (1 of 4 stars). 3 submissions from 3 submitters: Likely pathogenic (1); Uncertain significance (1). 1 of the submissions does not count toward it. Last evaluated 2024-10-04.

Conditions:
Intellectual developmental disorder with neuropsychiatric features. Identifiers: MedGen C4479636, MONDO:0044322, OMIM 617532.

Allele frequency attached by ClinVar (database versions not stated): gnomAD 0.00001; ExAC 0.00002; gnomAD exomes 0.00002; TOPMed 0.00003.
gnomAD v4.1: 10 of 1,613,754 alleles (0.00062%); highest among the groups gnomAD compares: Admixed American, 0.0083%; no homozygotes.

Submissions (3):

Dubai Health Genomic Medicine Center, Dubai Health
Classification: Likely pathogenic for Intellectual developmental disorder with neuropsychiatric features. Last evaluated: 2024-10-04. Review status: criteria provided, single submitter. Criteria: ACMG Guidelines, 2015. Collection method: research. Allele origin: germline. Affected: yes.
Comment: PP1,PS3(moderate),PM3(strong),PM2,PP3

Baylor Genetics
Classification: Uncertain significance for Intellectual developmental disorder with neuropsychiatric features. Last evaluated: 2020-05-04. Review status: criteria provided, single submitter. Criteria: ACMG Guidelines, 2015. Collection method: clinical testing. Allele origin: unknown. Affected: yes.
Comment: This variant was determined to be of uncertain significance according to ACMG Guidelines, 2015 [PMID:25741868].

OMIM
Classification: Pathogenic for INTELLECTUAL DEVELOPMENTAL DISORDER WITH NEUROPSYCHIATRIC FEATURES. Last evaluated: 2017-06-26. Review status: no assertion criteria provided. Collection method: literature only. Allele origin: germline. Not counted in ClinVar's aggregate classification.

Literature cited by the submitters: PubMed 28434495 (cited by OMIM).